The following is an entry in ClinVar:

ClinVar aggregate classification (germline): Uncertain significance. Review status: criteria provided, multiple submitters, no conflicts (2 of 4 stars). 3 submissions from 3 submitters: Uncertain significance (2). 1 of the submissions does not count toward it. Last evaluated 2024-07-18.

Conditions:
Primary ciliary dyskinesia. Also called: Ciliary dyskinesia. Identifiers: Orphanet 244, MedGen C0008780, MONDO:0016575, HP:0012265.

Allele frequency attached by ClinVar (database versions not stated): gnomAD 0.00001 and 0.00002; gnomAD exomes 0.00001 and 0.00003; ExAC 0.00002; TOPMed 0.00002; ESP Exome Variant Server 0.00008.
gnomAD v4.1: 24 of 1,614,088 alleles (0.0015%); highest among the groups gnomAD compares: South Asian, 0.0022%; no homozygotes.

Submissions (3):

Blueprint Genetics
Classification: Uncertain significance. Last evaluated: 2024-07-18. Review status: criteria provided, single submitter. Criteria: ACMG Guidelines, 2015. Collection method: clinical testing. Allele origin: germline.

Labcorp Genetics (formerly Invitae), Labcorp
Classification: Uncertain significance for Primary ciliary dyskinesia. Last evaluated: 2021-09-01. Review status: criteria provided, single submitter. Criteria: Invitae Variant Classification Sherloc (09022015). Collection method: clinical testing. Allele origin: germline.
Comment: This sequence change replaces valine with methionine at codon 2002 of the DNAH5 protein (p.Val2002Met). The valine residue is highly conserved and there is a small physicochemical difference between valine and methionine. This variant is present in population databases (rs148279547, ExAC 0.02%). This variant has not been reported in the literature in individuals affected with DNAH5-related conditions. Algorithms developed to predict the effect of missense changes on protein structure and function are either unavailable or do not agree on the potential impact of this missense change (SIFT: "Deleterious"; PolyPhen-2: "Possibly Damaging"; Align-GVGD: "Class C0"). In summary, the available evidence is currently insufficient to determine the role of this variant in disease. Therefore, it has been classified as a Variant of Uncertain Significance.

Natera, Inc.
Classification: Uncertain significance for Primary ciliary dyskinesia. Last evaluated: 2020-06-23. Review status: no assertion criteria provided. Collection method: clinical testing. Allele origin: germline. Not counted in ClinVar's aggregate classification.

NM_001369.3(DNAH5):c.6004G>A (p.Val2002Met)

Gene: DNAH5 (dynein axonemal heavy chain 5; minus strand). Cytogenetic location: 5p15.2.
Variant type: single nucleotide variant.
Coding change: c.6004G>A on transcript NM_001369.3 (MANE Select); coding-DNA position 6004, G replaced by A.
Protein change: p.Val2002Met; replaces valine 2002 with methionine.
Molecular consequence: missense variant.
Genome position (GRCh38, 1-based): chr5:13,830,654, C>T on the plus strand (G>A on the coding strand, the complement: DNAH5 is on the minus strand). VCF-style: chr5-13830654-C-T. GRCh37 (hg19) VCF-style: chr5-13830763-C-T.
Other names: short protein forms V2002M.
Identifiers: ClinVar variation 1008937 (VCV001008937.7), dbSNP rs148279547, ClinGen allele CA3203510.
Genomic context (GRCh38, chr5:13,830,654, plus strand): 5'-TACCCTTAAAAATCCGTCCAAGTCCTCGGAAATCCATCTGGTCTGAACAATTGAAAACCA[C>T]GACGTATTTCCCGAGGCATCGTCCCATGTCTTTAGTGGTTTCTGTTTTGCCTGTGCCTGC-3'
Protein context (NP_001360.1, residues 1992-2012): DMGRCLGKYV[Val2002Met]VFNCSDQMDF